The following is an entry in ClinVar:

NM_001111125.3(IQSEC2):c.1066_1069del (p.Thr356fs)

Gene: IQSEC2 (IQ motif and Sec7 domain ArfGEF 2; minus strand). Cytogenetic location: Xp11.22.
Variant type: Deletion.
Coding change: c.1066_1069del on transcript NM_001111125.3 (MANE Select); coding-DNA positions 1066 to 1069, 4 bases deleted (ACAG; older notation c.1066_1069delACAG).
Protein change: p.Thr356fs; shifts the reading frame from threonine 356.
Molecular consequence: frameshift variant.
Genome position (GRCh38, 1-based): chrX:53,254,862-53,254,865, CTGT deleted on the plus strand (ACAG on the coding strand, the reverse complement: IQSEC2 is on the minus strand); deleting any 4 consecutive bases within chrX:53,254,862-53,254,868 gives the same sequence; the c. name uses the placement nearest the transcript's 3' end. VCF-style (leftmost placement, unchanged base first): chrX-53254861-GCTGT-G. GRCh37 (hg19) VCF-style: chrX-53284043-GCTGT-G.
Other names: c.1066_1069del, p.Thr356fs (NM_001410736.1); c.451_454del, p.Thr151fs (NM_015075.2); short protein forms T151fs, T356fs.
Identifiers: ClinVar variation 2700501 (VCV002700501.3), dbSNP rs2519840766, ClinGen allele CA2697553117.

ClinVar aggregate classification (germline): Pathogenic (1 of 4 stars; one submission).

Conditions:
Intellectual developmental disorder, X-linked 1. Also called: MENTAL RETARDATION, X-LINKED 18; MENTAL RETARDATION, X-LINKED 78; Atkin Flaitz Patil Smith syndrome; Intellectual disability, X-linked 1. Identifiers: Orphanet 777, MedGen C2931498, MONDO:0010656, OMIM 309530.

Submission:

Labcorp Genetics (formerly Invitae), Labcorp
Classification: Pathogenic for Intellectual developmental disorder, X-linked 1. Last evaluated: 2023-12-02. Review status: criteria provided, single submitter. Criteria: Invitae Variant Classification Sherloc (09022015). Collection method: clinical testing. Allele origin: germline.
Comment: This sequence change creates a premature translational stop signal (p.Thr356Profs*7) in the IQSEC2 gene. It is expected to result in an absent or disrupted protein product. Loss-of-function variants in IQSEC2 are known to be pathogenic (PMID: 21686261, 26793055, 27665735). This variant is not present in population databases (gnomAD no frequency). This variant has not been reported in the literature in individuals affected with IQSEC2-related conditions. For these reasons, this variant has been classified as Pathogenic.

Literature cited by the submitters: PubMed 21686261; PubMed 26793055; PubMed 27665735.